The following is an entry in ClinVar:

NM_000245.4(MET):c.10C>T (p.Pro4Ser)

Gene: MET (MET proto-oncogene, receptor tyrosine kinase; plus strand). Cytogenetic location: 7q31.2.
Variant type: single nucleotide variant.
Coding change: c.10C>T on transcript NM_000245.4 (MANE Select); coding-DNA position 10, C replaced by T.
Protein change: p.Pro4Ser; replaces proline 4 with serine.
Molecular consequence: missense variant. On other transcripts: intron variant (1).
Genome position (GRCh38, 1-based): chr7:116,699,094, C>T. VCF-style: chr7-116699094-C-T. GRCh37 (hg19) VCF-style: chr7-116339148-C-T.
Other names: c.10C>T, p.Pro4Ser (NM_001127500.3, NM_001324401.3); c.-91+26517C>T (NM_001324402.2); short protein forms P4S.
Identifiers: ClinVar variation 4702961 (VCV004702961.1).
Genomic context (GRCh38, chr7:116,699,094, plus strand): 5'-CAACTGAACTGCTCTCGCCTTGAACCTGTTTTGGCAGATAAACCTCTCATAATGAAGGCC[C>T]CCGCTGTGCTTGCACCTGGCATCCTCGTGCTCCTGTTTACCTTGGTGCAGAGGAGCAATG-3'
Protein context (NP_000236.2, residues 1-14): MKA[Pro4Ser]AVLAPGILVL

ClinVar aggregate classification (germline): Uncertain significance (1 of 4 stars; one submission).

Conditions:
Renal cell carcinoma. Identifiers: Orphanet 217071, MedGen C0007134, MeSH D002292, MONDO:0005086, HP:0005584.

Submission:

Labcorp Genetics (formerly Invitae), Labcorp
Classification: Uncertain significance for Renal cell carcinoma. Last evaluated: 2025-09-14. Review status: criteria provided, single submitter. Criteria: Invitae Variant Classification Sherloc (09022015). Collection method: clinical testing. Allele origin: germline.
Comment: This sequence change replaces proline, which is neutral and non-polar, with serine, which is neutral and polar, at codon 4 of the MET protein (p.Pro4Ser). This variant is not present in population databases (gnomAD no frequency). This variant has not been reported in the literature in individuals affected with MET-related conditions. An algorithm developed to predict the effect of missense changes on protein structure and function outputs the following: PolyPhen-2: "Benign". The serine amino acid residue is found in multiple mammalian species, which suggests that this missense change does not adversely affect protein function. In summary, the available evidence is currently insufficient to determine the role of this variant in disease. Therefore, it has been classified as a Variant of Uncertain Significance.